The following is an entry in ClinVar:

NM_000059.4(BRCA2):c.9155G>T (p.Arg3052Leu)

Gene: BRCA2 (BRCA2 DNA repair associated; plus strand). Cytogenetic location: 13q13.1.
Variant type: single nucleotide variant.
Coding change: c.9155G>T on transcript NM_000059.4 (MANE Select); coding-DNA position 9155, G replaced by T.
Protein change: p.Arg3052Leu; replaces arginine 3052 with leucine.
Molecular consequence: missense variant.
Genome position (GRCh38, 1-based): chr13:32,380,044, G>T. VCF-style: chr13-32380044-G-T. GRCh37 (hg19) VCF-style: chr13-32954181-G-T.
Other names: short protein forms R3052L.
Identifiers: ClinVar variation 462517 (VCV000462517.13), dbSNP rs80359171, ClinGen allele CA387757934.

ClinVar aggregate classification (germline): Pathogenic/Likely pathogenic. Review status: criteria provided, multiple submitters, no conflicts (2 of 4 stars). 3 submissions from 3 submitters: Pathogenic (1); Likely pathogenic (2). Last evaluated 2026-03-17.

Conditions:
Hereditary cancer-predisposing syndrome. Also called: Hereditary neoplastic syndrome; Neoplastic Syndromes, Hereditary; Tumor predisposition; Hereditary Cancer Syndrome. Identifiers: Orphanet 140162, MedGen C0027672, MeSH D009386, MONDO:0015356.
Hereditary breast ovarian cancer syndrome. Also called: Hereditary breast and ovarian cancer syndrome (HBOC); BRCA1- and BRCA2-Associated Hereditary Breast and Ovarian Cancer; Hereditary breast and ovarian cancer syndrome; Hereditary breast and ovarian cancer; Breast and ovarian cancer; Hereditary breast and/or ovarian cancer syndrome. Identifiers: Orphanet 145, MedGen C0677776, MeSH D061325, MONDO:0003582. Disease mechanism: loss of function.

Submissions (3):

GeneDx
Classification: Pathogenic. Last evaluated: 2026-03-17. Review status: criteria provided, single submitter. Criteria: GeneDx Variant Classification Process June 2021. Collection method: clinical testing. Allele origin: germline.
Comment: Observed in individuals with hereditary breast/ovarian or colorectal cancer (PMID: 32522261); Published functional studies demonstrate a damaging effect: defective homology-directed repair activity (REFS) (PMID: 33609447, 39779848); Not observed at significant frequency in large population cohorts (gnomAD); In silico analysis suggests that this missense variant does not alter protein structure/function; Also known as 9383G>T; This variant is associated with the following publications: (PMID: 39779848, 12228710, 33609447, 32522261)

Labcorp Genetics (formerly Invitae), Labcorp
Classification: Likely pathogenic for Hereditary breast ovarian cancer syndrome. Last evaluated: 2024-10-21. Review status: criteria provided, single submitter. Criteria: Invitae Variant Classification Sherloc (09022015). Collection method: clinical testing. Allele origin: germline.
Comment: This sequence change replaces arginine, which is basic and polar, with leucine, which is neutral and non-polar, at codon 3052 of the BRCA2 protein (p.Arg3052Leu). This variant is not present in population databases (gnomAD no frequency). This missense change has been observed in individual(s) with clinical features of hereditary cancer (PMID: 32522261). ClinVar contains an entry for this variant (Variation ID: 462517). Invitae Evidence Modeling incorporating data from in vitro experimental studies (PMID: 33609447) indicates that this missense variant is expected to disrupt BRCA2 function with a positive predictive value of 95%. This variant disrupts the p.Arg3052 amino acid residue in BRCA2. Other variant(s) that disrupt this residue have been determined to be pathogenic (PMID: 18451181, 19200354). This suggests that this residue is clinically significant, and that variants that disrupt this residue are likely to be disease-causing. In summary, the currently available evidence indicates that the variant is pathogenic, but additional data are needed to prove that conclusively. Therefore, this variant has been classified as Likely Pathogenic.

Ambry Genetics
Classification: Likely pathogenic for Hereditary cancer-predisposing syndrome. Last evaluated: 2024-09-26. Review status: criteria provided, single submitter. Criteria: Ambry Variant Classification Scheme 2023. Collection method: clinical testing. Allele origin: germline.
Comment: The p.R3052L variant (also known as c.9155G>T), located in coding exon 23 of the BRCA2 gene, results from a G to T substitution at nucleotide position 9155. The arginine at codon 3052 is replaced by leucine, an amino acid with dissimilar properties. This alteration was non-functional in a homology-directed DNA repair (HDR) assay (Richardson ME et al. Am J Hum Genet, 2021 Mar;108:458-468). A close-match alteration at this same codon, p.R3052W has been reported in numerous families and individuals with breast and/or ovarian cancer (G&oacute;mez Garc&iacute;a EB et al. Breast Cancer Res. 2009; 11(1):R8; Cunningham JM, Sci Rep 2014; 4:4026; Song H et al. Hum. Mol. Genet., 2014 Sep;23:4703-9; Sun J et al. Clin. Cancer Res., 2017 Oct;23:6113-6119). (Ambry internal data). This amino acid position is highly conserved in available vertebrate species. In addition, this alteration is predicted to be deleterious by in silico analysis. This variant was not reported in population-based cohorts in the Genome Aggregation Database (gnomAD) (Lek M et al. Nature, 2016 08;536:285-91). Based on the majority of available evidence to date, this variant is likely to be pathogenic.

Literature cited by the submitters: PubMed 32522261 (cited by Labcorp Genetics (formerly Invitae), Labcorp); PubMed 33609447 (cited by Labcorp Genetics (formerly Invitae), Labcorp and Ambry Genetics); PubMed 18451181 (cited by Labcorp Genetics (formerly Invitae), Labcorp); PubMed 19200354 (cited by Labcorp Genetics (formerly Invitae), Labcorp).